The following is an entry in ClinVar:

ClinVar aggregate classification (germline): Pathogenic/Likely pathogenic. Review status: criteria provided, multiple submitters, no conflicts (2 of 4 stars). 2 submissions from 2 submitters: Pathogenic (1); Likely pathogenic (1). Last evaluated 2024-06-16.

Conditions:
Pyruvate carboxylase deficiency. Also called: ATAXIA WITH LACTIC ACIDOSIS II; LEIGH NECROTIZING ENCEPHALOPATHY DUE TO PYRUVATE CARBOXYLASE DEFICIENCY; PC DEFICIENCY; LEIGH SYNDROME DUE TO PYRUVATE CARBOXYLASE DEFICIENCY; Pyruvate Carboxylase Deficiency Disease. Identifiers: Orphanet 3008, MedGen C0034341, MONDO:0009949, OMIM 266150.

Submissions (2):

Fulgent Genetics
Classification: Likely pathogenic for Pyruvate carboxylase deficiency. Last evaluated: 2024-06-16. Review status: criteria provided, single submitter. Criteria: ACMG Guidelines, 2015. Collection method: clinical testing. Allele origin: germline.

Labcorp Genetics (formerly Invitae), Labcorp
Classification: Pathogenic for Pyruvate carboxylase deficiency. Last evaluated: 2023-10-14. Review status: criteria provided, single submitter. Criteria: Invitae Variant Classification Sherloc (09022015). Collection method: clinical testing. Allele origin: germline.
Comment: This sequence change creates a premature translational stop signal (p.Lys1130Argfs*14) in the PC gene. While this is not anticipated to result in nonsense mediated decay, it is expected to disrupt the last 49 amino acid(s) of the PC protein. This variant is not present in population databases (gnomAD no frequency). This variant has not been reported in the literature in individuals affected with PC-related conditions. ClinVar contains an entry for this variant (Variation ID: 1456502). This variant disrupts a region of the PC protein in which other variant(s) (p.Leu1137Valfs*34) have been determined to be pathogenic (PMID: 18676167). This suggests that this is a clinically significant region of the protein, and that variants that disrupt it are likely to be disease-causing. For these reasons, this variant has been classified as Pathogenic.

Literature cited by the submitters: PubMed 18676167 (cited by Labcorp Genetics (formerly Invitae), Labcorp).

NM_001040716.2(PC):c.3387del (p.Lys1130fs)

Gene: PC (pyruvate carboxylase; minus strand). Cytogenetic location: 11q13.2.
Variant type: Deletion.
Coding change: c.3387del on transcript NM_001040716.2 (MANE Select); coding-DNA position 3387, one base deleted (C; older notation c.3387delC).
Protein change: p.Lys1130fs; shifts the reading frame from lysine 1130.
Molecular consequence: frameshift variant.
Genome position (GRCh38, 1-based): chr11:66,849,049, G deleted on the plus strand (C on the coding strand, the reverse complement: PC is on the minus strand); the first of 2 consecutive G bases (chr11:66,849,049-66,849,050); deleting either gives the same sequence. VCF-style (leftmost placement, unchanged base first): chr11-66849048-TG-T. GRCh37 (hg19) VCF-style: chr11-66616519-TG-T.
Other names: c.3387del, p.Lys1130fs (NM_000920.4, NM_022172.3); short protein forms K1130fs.
Identifiers: ClinVar variation 1456502 (VCV001456502.7), dbSNP rs2135783409, ClinGen allele CA2573147587.